The following is an entry in ClinVar:

NM_177438.3(DICER1):c.3120A>G (p.Ile1040Met)

Gene: DICER1 (dicer 1, ribonuclease III; minus strand). Cytogenetic location: 14q32.13.
Variant type: single nucleotide variant.
Coding change: c.3120A>G on transcript NM_177438.3 (MANE Select); coding-DNA position 3120, A replaced by G.
Protein change: p.Ile1040Met; replaces isoleucine 1040 with methionine.
Molecular consequence: missense variant. On other transcripts: non-coding transcript variant (6).
Genome position (GRCh38, 1-based): chr14:95,105,220, T>C on the plus strand (A>G on the coding strand, the complement: DICER1 is on the minus strand). VCF-style: chr14-95105220-T-C. GRCh37 (hg19) VCF-style: chr14-95571557-T-C.
Other names: c.3120A>G, p.Ile1040Met (NM_001195573.1, NM_001271282.3, NM_001291628.2 and 13 more transcripts); c.2838A>G, p.Ile946Met (NM_001395686.1); c.2715A>G, p.Ile905Met (NM_001395687.1, NM_001395688.1, NM_001395689.1 and 2 more transcripts); c.2553A>G, p.Ile851Met (NM_001395691.1); c.1437A>G, p.Ile479Met (NM_001395697.1); short protein forms I1040M, I905M, I479M, I851M, I946M.
Identifiers: ClinVar variation 1727861 (VCV001727861.2), dbSNP rs1195908211, ClinGen allele CA390876876.

ClinVar aggregate classification (germline): Uncertain significance (1 of 4 stars; one submission).

Conditions:
Hereditary cancer-predisposing syndrome. Also called: Tumor predisposition; Neoplastic Syndromes, Hereditary; Hereditary Cancer Syndrome; Hereditary neoplastic syndrome. Identifiers: Orphanet 140162, MedGen C0027672, MeSH D009386, MONDO:0015356.

Allele frequency attached by ClinVar (database versions not stated): TOPMed below 0.00001; gnomAD 0.00001.
gnomAD v4.1: 1 of 1,613,576 alleles (0.000062%); highest among the groups gnomAD compares: Non-Finnish European, 0.000085%; no homozygotes.

Submission:

Ambry Genetics
Classification: Uncertain significance for Hereditary cancer-predisposing syndrome. Last evaluated: 2022-05-12. Review status: criteria provided, single submitter. Criteria: Ambry Variant Classification Scheme 2023. Collection method: clinical testing. Allele origin: germline.
Comment: The p.I1040M variant (also known as c.3120A>G), located in coding exon 19 of the DICER1 gene, results from an A to G substitution at nucleotide position 3120. The isoleucine at codon 1040 is replaced by methionine, an amino acid with highly similar properties. This amino acid position is conserved. In addition, this alteration is predicted to be tolerated by in silico analysis. Since supporting evidence is limited at this time, the clinical significance of this alteration remains unclear.